The following is an entry in ClinVar:

ClinVar aggregate classification (germline): Conflicting classifications of pathogenicity. Review status: criteria provided, conflicting classifications (1 of 4 stars). 2 submissions from 2 submitters: Uncertain significance (1); Likely benign (1). Last evaluated 2025-10-29.

Conditions:
Hypertrophic cardiomyopathy 1 (CMH1). Also called: Familial hypertrophic cardiomyopathy 1; MYH7-Related Familial Hypertrophic Cardiomyopathy. Identifiers: MedGen C3495498, MONDO:0008647, OMIM 192600.

Allele frequency attached by ClinVar (database versions not stated): gnomAD 0.00003; TOPMed 0.00006; gnomAD exomes 0.00010; ExAC 0.00013.
gnomAD v4.1: 57 of 1,613,830 alleles (0.0035%); highest among the groups gnomAD compares: East Asian, 0.056%; no homozygotes.

Submissions (2):

Labcorp Genetics (formerly Invitae), Labcorp
Classification: Likely benign for Hypertrophic cardiomyopathy 1. Last evaluated: 2025-10-29. Review status: criteria provided, single submitter. Criteria: Invitae Variant Classification Sherloc (09022015). Collection method: clinical testing. Allele origin: germline.

Biesecker Lab/Clinical Genomics Section, National Institutes of Health
Classification: Uncertain significance. Last evaluated: 2013-06-24. Review status: criteria provided, single submitter. Criteria: Ng et al. (Circ Cardiovasc Genet. 2013). Collection method: research. Allele origin: unknown. Observed: 1 variant allele. Study: ClinSeq.
Comment: The study set was not selected for affection status in relation to any cancer. Pathogenicity categories were based on literature curation. See Pubmed ID:23861362 for details.

Medical sequencing

NM_033118.4(MYLK2):c.194C>T (p.Thr65Ile)

Gene: MYLK2 (myosin light chain kinase 2; plus strand). Cytogenetic location: 20q11.21.
Variant type: single nucleotide variant.
Coding change: c.194C>T on transcript NM_033118.4 (MANE Select); coding-DNA position 194, C replaced by T.
Protein change: p.Thr65Ile; replaces threonine 65 with isoleucine.
Molecular consequence: missense variant.
Genome position (GRCh38, 1-based): chr20:31,820,267, C>T. VCF-style: chr20-31820267-C-T. GRCh37 (hg19) VCF-style: chr20-30408070-C-T.
Other names: short protein forms T65I.
Identifiers: ClinVar variation 191736 (VCV000191736.9), dbSNP rs747109352, ClinGen allele CA237406.